The following is an entry in ClinVar:

ClinVar aggregate classification (germline): Uncertain significance (1 of 4 stars; one submission).

gnomAD v4.1: 11 of 1,613,164 alleles (0.00068%); highest among the groups gnomAD compares: East Asian, 0.0022%; no homozygotes.

Submission:

Labcorp Genetics (formerly Invitae), Labcorp
Classification: Uncertain significance. Last evaluated: 2024-08-14. Review status: criteria provided, single submitter. Criteria: Invitae Variant Classification Sherloc (09022015). Collection method: clinical testing. Allele origin: germline.
Comment: This sequence change replaces arginine, which is basic and polar, with tryptophan, which is neutral and slightly polar, at codon 524 of the TONSL protein (p.Arg524Trp). This variant is present in population databases (rs774764107, gnomAD 0.006%). This variant has not been reported in the literature in individuals affected with TONSL-related conditions. Invitae Evidence Modeling of protein sequence and biophysical properties (such as structural, functional, and spatial information, amino acid conservation, physicochemical variation, residue mobility, and thermodynamic stability) indicates that this missense variant is expected to disrupt TONSL protein function with a positive predictive value of 80%. In summary, the available evidence is currently insufficient to determine the role of this variant in disease. Therefore, it has been classified as a Variant of Uncertain Significance.

NM_013432.5(TONSL):c.1570C>T (p.Arg524Trp)

Genes: TONSL (tonsoku like, DNA repair protein; minus strand), TONSL-AS1 (TONSL antisense RNA 1; plus strand). Cytogenetic location: 8q24.3.
Variant type: single nucleotide variant.
Coding change: c.1570C>T on transcript NM_013432.5 (MANE Select); coding-DNA position 1570, C replaced by T.
Protein change: p.Arg524Trp; replaces arginine 524 with tryptophan.
Molecular consequence: missense variant.
Genome position (GRCh38, 1-based): chr8:144,438,554, G>A on the plus strand (C>T on the coding strand, the complement: TONSL is on the minus strand). VCF-style: chr8-144438554-G-A. GRCh37 (hg19) VCF-style: chr8-145663937-G-A.
Other names: short protein forms R524W.
Identifiers: ClinVar variation 3665264 (VCV003665264.2).